The following is an entry in ClinVar:

ClinVar aggregate classification (germline): Conflicting classifications of pathogenicity. Review status: criteria provided, conflicting classifications (1 of 4 stars). 3 submissions from 3 submitters: Uncertain significance (2); Likely benign (1). Last evaluated 2025-09-05.

Conditions:
Hereditary cancer-predisposing syndrome. Also called: Hereditary Cancer Syndrome; Tumor predisposition; Hereditary neoplastic syndrome; Neoplastic Syndromes, Hereditary. Identifiers: Orphanet 140162, MedGen C0027672, MeSH D009386, MONDO:0015356.
Hereditary breast ovarian cancer syndrome. Also called: Hereditary breast and/or ovarian cancer syndrome; Hereditary breast and ovarian cancer syndrome; Hereditary breast and ovarian cancer syndrome (HBOC); Breast and ovarian cancer; Hereditary breast and ovarian cancer; BRCA1- and BRCA2-Associated Hereditary Breast and Ovarian Cancer. Identifiers: Orphanet 145, MedGen C0677776, MeSH D061325, MONDO:0003582. Disease mechanism: loss of function.

Submissions (3):

Ambry Genetics
Classification: Uncertain significance for Hereditary cancer-predisposing syndrome. Last evaluated: 2025-09-05. Review status: criteria provided, single submitter. Criteria: Ambry Variant Classification Scheme 2023. Collection method: clinical testing. Allele origin: germline.
Comment: The p.G834A variant (also known as c.2501G>C), located in coding exon 9 of the BRCA1 gene, results from a G to C substitution at nucleotide position 2501. The glycine at codon 834 is replaced by alanine, an amino acid with similar properties. This amino acid position is poorly conserved in available vertebrate species. In addition, this alteration is predicted to be tolerated by in silico analysis. Based on the available evidence, the clinical significance of this variant remains unclear.

University of Washington Department of Laboratory Medicine, University of Washington
Classification: Likely benign for Hereditary cancer-predisposing syndrome. Last evaluated: 2023-03-23. Review status: criteria provided, single submitter. Criteria: Dines et al. (Genet Med. 2020). Collection method: curation. Allele origin: germline.
Comment: Missense variant in a coldspot region where missense variants are very unlikely to be pathogenic (PMID:31911673).

BRCA1 coldspot (exon 11 using historical exon numbering). Reclassification based on statistical prior probability

Labcorp Genetics (formerly Invitae), Labcorp
Classification: Uncertain significance for Hereditary breast ovarian cancer syndrome. Last evaluated: 2020-09-21. Review status: criteria provided, single submitter. Criteria: Invitae Variant Classification Sherloc (09022015). Collection method: clinical testing. Allele origin: germline.
Comment: In summary, the available evidence is currently insufficient to determine the role of this variant in disease. Therefore, it has been classified as a Variant of Uncertain Significance. Advanced modeling of protein sequence and biophysical properties (such as structural, functional, and spatial information, amino acid conservation, physicochemical variation, residue mobility, and thermodynamic stability) performed at Invitae indicates that this missense variant is not expected to disrupt BRCA1 protein function. This variant has not been reported in the literature in individuals with BRCA1-related conditions. This variant is not present in population databases (ExAC no frequency). This sequence change replaces glycine with alanine at codon 834 of the BRCA1 protein (p.Gly834Ala). The glycine residue is weakly conserved and there is a small physicochemical difference between glycine and alanine.

NM_007294.4(BRCA1):c.2501G>C (p.Gly834Ala)

Gene: BRCA1 (BRCA1 DNA repair associated; minus strand). Cytogenetic location: 17q21.31.
Variant type: single nucleotide variant.
Coding change: c.2501G>C on transcript NM_007294.4 (MANE Select); coding-DNA position 2501, G replaced by C.
Protein change: p.Gly834Ala; replaces glycine 834 with alanine.
Molecular consequence: missense variant. On other transcripts: intron variant (137).
Genome position (GRCh38, 1-based): chr17:43,093,030, C>G on the plus strand (G>C on the coding strand, the complement: BRCA1 is on the minus strand). VCF-style: chr17-43093030-C-G. GRCh37 (hg19) VCF-style: chr17-41245047-C-G.
Other names: c.2288G>C, p.Gly763Ala (NM_001407571.1, NM_001407853.1, NM_001407894.1 and 9 more transcripts); c.2501G>C, p.Gly834Ala (NM_001407581.1, NM_001407582.1, NM_001407583.1 and 30 more transcripts); c.2498G>C, p.Gly833Ala (NM_001407587.1, NM_001407590.1, NM_001407591.1 and 22 more transcripts); c.2492G>C, p.Gly831Ala (NM_001407646.1, NM_001407647.1); c.2378G>C, p.Gly793Ala (NM_001407648.1, NM_001407664.1, NM_001407665.1 and 19 more transcripts); c.2375G>C, p.Gly792Ala (NM_001407649.1, NM_001407670.1, NM_001407671.1 and 11 more transcripts); c.2423G>C, p.Gly808Ala (NM_001407653.1, NM_001407654.1, NM_001407655.1 and 4 more transcripts); c.2420G>C, p.Gly807Ala (NM_001407659.1, NM_001407660.1, NM_001407661.1 and 1 more transcripts); and 41 more; short protein forms G834A, G787A, G786A, G793A, G807A, G706A, G763A, G666A.
Identifiers: ClinVar variation 1045652 (VCV001045652.13), dbSNP rs757383244, ClinGen allele CA10596996.